The following is an entry in ClinVar:

NM_000426.4(LAMA2):c.4477C>T (p.Arg1493Cys)

Gene: LAMA2 (laminin subunit alpha 2; plus strand). Cytogenetic location: 6q22.33.
Variant type: single nucleotide variant.
Coding change: c.4477C>T on transcript NM_000426.4 (MANE Select); coding-DNA position 4477, C replaced by T.
Protein change: p.Arg1493Cys; replaces arginine 1493 with cysteine.
Molecular consequence: missense variant.
Genome position (GRCh38, 1-based): chr6:129,349,338, C>T. VCF-style: chr6-129349338-C-T. GRCh37 (hg19) VCF-style: chr6-129670483-C-T.
Other names: c.4477C>T, p.Arg1493Cys (NM_001079823.2); short protein forms R1493C.
Identifiers: ClinVar variation 557224 (VCV000557224.11), dbSNP rs751053800, ClinGen allele CA3993566.
Genomic context (GRCh38, chr6:129,349,338, plus strand): 5'-TCCTTTTCTTTCTGATTCAGTTTCAGCCCCTCTTGTGTCGCAGAAGGACTTGACGACTAC[C>T]GCTGCACGGCTTGTCCACGGGGATATGAAGGCCAGTACTGTGAAAGGTACCAACAGCCAT-3'
Protein context (NP_000417.3, residues 1483-1503): SCVAEGLDDY[Arg1493Cys]CTACPRGYEG

ClinVar aggregate classification (germline): Conflicting classifications of pathogenicity. Review status: criteria provided, conflicting classifications (1 of 4 stars). 3 submissions from 3 submitters: Uncertain significance (1); Likely benign (1). 1 of the submissions does not count toward it. Last evaluated 2026-05-26.

Conditions:
Merosin deficient congenital muscular dystrophy (MDC1A). Also called: Congenital Muscular Dystrophy Type 1A (MDC1A); Congenital merosin-deficient muscular dystrophy 1A. Identifiers: Orphanet 258, MedGen C1263858, MONDO:0011925, OMIM 607855.
Inborn genetic diseases. Identifiers: MedGen C0950123, MeSH D030342.
LAMA2-related muscular dystrophy (LAMA2-RD). Also called: Laminin alpha 2-related dystrophy. Identifiers: MedGen C5679788, MONDO:0100228.

Allele frequency attached by ClinVar (database versions not stated): TOPMed 0.00001; gnomAD below 0.00001 and 0.00001; ExAC 0.00009.
gnomAD v4.1: 39 of 1,613,454 alleles (0.0024%); highest among the groups gnomAD compares: South Asian, 0.032%; no homozygotes.

Submissions (3):

Ambry Genetics
Classification: Uncertain significance for Inborn genetic diseases. Last evaluated: 2026-05-26. Review status: criteria provided, single submitter. Criteria: Ambry Variant Classification Scheme 2023. Collection method: clinical testing. Allele origin: germline.
Comment: The c.4477C>T (p.R1493C) alteration is located in exon 31 (coding exon 31) of the LAMA2 gene. This alteration results from a C to T substitution at nucleotide position 4477, causing the arginine (R) at amino acid position 1493 to be replaced by a cysteine (C). Based on data from gnomAD, the T allele has an overall frequency of 0.006% (14/251384) total alleles studied. The highest observed frequency was 0.033% (10/30616) of South Asian alleles. Based on insufficient or conflicting evidence, the clinical significance of this alteration remains unclear.

Labcorp Genetics (formerly Invitae), Labcorp
Classification: Likely benign for LAMA2-related muscular dystrophy. Last evaluated: 2024-03-05. Review status: criteria provided, single submitter. Criteria: Invitae Variant Classification Sherloc (09022015). Collection method: clinical testing. Allele origin: germline.

Counsyl
Classification: Uncertain significance for Merosin deficient congenital muscular dystrophy. Last evaluated: 2018-03-13. Review status: no assertion criteria provided. Collection method: clinical testing. Allele origin: unknown. Not counted in ClinVar's aggregate classification.

Literature cited by the submitters: PubMed 23911319 (cited by Counsyl).